The following is an entry in ClinVar:

ClinVar aggregate classification (germline): Uncertain significance (1 of 4 stars; one submission).

Submission:

GeneDx
Classification: Uncertain significance. Last evaluated: 2024-04-11. Review status: criteria provided, single submitter. Criteria: GeneDx Variant Classification Process June 2021. Collection method: clinical testing. Allele origin: germline. Affected: yes.
Comment: Not observed at significant frequency in large population cohorts (gnomAD); In silico analysis supports that this missense variant has a deleterious effect on protein structure/function; Has not been previously published as pathogenic or benign to our knowledge

NM_001042681.2(RERE):c.3587G>C (p.Arg1196Pro)

Gene: RERE (arginine-glutamic acid dipeptide repeats; minus strand). Cytogenetic location: 1p36.23.
Variant type: single nucleotide variant.
Coding change: c.3587G>C on transcript NM_001042681.2 (MANE Select); coding-DNA position 3587, G replaced by C.
Protein change: p.Arg1196Pro; replaces arginine 1196 with proline.
Molecular consequence: missense variant.
Genome position (GRCh38, 1-based): chr1:8,359,795, C>G on the plus strand (G>C on the coding strand, the complement: RERE is on the minus strand). VCF-style: chr1-8359795-C-G. GRCh37 (hg19) VCF-style: chr1-8419855-C-G.
Other names: c.1925G>C, p.Arg642Pro (NM_001042682.2); c.3587G>C, p.Arg1196Pro (NM_012102.4); short protein forms R1196P, R642P.
Identifiers: ClinVar variation 3372140 (VCV003372140.1).
Genomic context (GRCh38, chr1:8,359,795, plus strand): 5'-CCGTCACACCTCGCCAACCCTGGACTCACAGCCGCCCGCTCTGCCTCGCGCTCCCGCTCT[C>G]GCTCCCGCTCCCGCTCCTTCTCCTTCTCCTTCTCCCGCTCTCGCTCCTCTCGGGCTTTCT-3'
Protein context (NP_001036146.1, residues 1186-1206): KEKEKERERE[Arg1196Pro]EREREAERAA